The following is an entry in ClinVar:

NM_001243925.2(MAPKAPK3):c.334C>T (p.Arg112Cys)

Gene: MAPKAPK3 (MAPK activated protein kinase 3; plus strand). Cytogenetic location: 3p21.2.
Variant type: single nucleotide variant.
Coding change: c.334C>T on transcript NM_001243925.2 (MANE Select); coding-DNA position 334, C replaced by T.
Protein change: p.Arg112Cys; replaces arginine 112 with cysteine.
Molecular consequence: missense variant.
Genome position (GRCh38, 1-based): chr3:50,640,480, C>T. VCF-style: chr3-50640480-C-T. GRCh37 (hg19) VCF-style: chr3-50677911-C-T.
Other names: c.334C>T, p.Arg112Cys (NM_001243926.2, NM_004635.5); short protein forms R112C.
Identifiers: ClinVar variation 1465133 (VCV001465133.8), dbSNP rs200955406, ClinGen allele CA2420214.

ClinVar aggregate classification (germline): Uncertain significance (1 of 4 stars; one submission).

Allele frequency attached by ClinVar (database versions not stated): gnomAD 0.00001 and 0.00002; gnomAD exomes 0.00001 and 0.00002; TOPMed 0.00001; ExAC 0.00002.
gnomAD v4.1: 29 of 1,613,338 alleles (0.0018%); highest among the groups gnomAD compares: South Asian, 0.0022%; no homozygotes.

Submission:

Labcorp Genetics (formerly Invitae), Labcorp
Classification: Uncertain significance. Last evaluated: 2024-12-02. Review status: criteria provided, single submitter. Criteria: Invitae Variant Classification Sherloc (09022015). Collection method: clinical testing. Allele origin: germline.
Comment: This sequence change replaces arginine, which is basic and polar, with cysteine, which is neutral and slightly polar, at codon 112 of the MAPKAPK3 protein (p.Arg112Cys). This variant is present in population databases (rs200955406, gnomAD 0.003%). This variant has not been reported in the literature in individuals affected with MAPKAPK3-related conditions. ClinVar contains an entry for this variant (Variation ID: 1465133). An algorithm developed to predict the effect of missense changes on protein structure and function (PolyPhen-2) suggests that this variant is likely to be disruptive. In summary, the available evidence is currently insufficient to determine the role of this variant in disease. Therefore, it has been classified as a Variant of Uncertain Significance.